The following is an entry in ClinVar:

ClinVar aggregate classification (germline): Likely benign. Review status: criteria provided, multiple submitters, no conflicts (2 of 4 stars). 2 submissions from 2 submitters: Likely benign (2). Last evaluated 2025-04-24.

Conditions:
PCNT-related disorder. Also called: PCNT-related condition.

Allele frequency attached by ClinVar (database versions not stated): TOPMed below 0.00001.
gnomAD v4.1: 9 of 1,613,882 alleles (0.00056%); highest among the groups gnomAD compares: East Asian, 0.0022%; no homozygotes.

Submissions (2):

PreventionGenetics, part of Exact Sciences
Classification: Likely benign for PCNT-related condition. Last evaluated: 2025-04-24. Review status: criteria provided, single submitter. Criteria: ACMG Guidelines, 2015. Collection method: clinical testing. Allele origin: germline.
Comment: This variant is classified as likely benign based on ACMG/AMP sequence variant interpretation guidelines (Richards et al. 2015 PMID: 25741868, with internal and published modifications).

Labcorp Genetics (formerly Invitae), Labcorp
Classification: Likely benign. Last evaluated: 2024-02-06. Review status: criteria provided, single submitter. Criteria: Invitae Variant Classification Sherloc (09022015). Collection method: clinical testing. Allele origin: germline.

NM_006031.6(PCNT):c.7317G>A (p.Thr2439=)

Gene: PCNT (pericentrin; plus strand). Cytogenetic location: 21q22.3.
Variant type: single nucleotide variant.
Coding change: c.7317G>A on transcript NM_006031.6 (MANE Select); coding-DNA position 7317, G replaced by A.
Protein change: p.Thr2439=; no amino-acid change (threonine 2439 retained).
Molecular consequence: synonymous variant.
Genome position (GRCh38, 1-based): chr21:46,425,968, G>A. VCF-style: chr21-46425968-G-A. GRCh37 (hg19) VCF-style: chr21-47845882-G-A.
Other names: c.6963G>A, p.Thr2321= (NM_001315529.2); c.7317G>A (NM_006031.5).
Identifiers: ClinVar variation 1530805 (VCV001530805.9), dbSNP rs759593322, ClinGen allele CA10080607.